The following is an entry in ClinVar:

NM_002506.3(NGF):c.393C>T (p.Gly131=)

Genes: NGF-AS1 (NGF antisense RNA 1; plus strand), NGF (nerve growth factor; minus strand). Cytogenetic location: 1p13.2.
Variant type: single nucleotide variant.
Coding change: c.393C>T on transcript NM_002506.3 (MANE Select); coding-DNA position 393, C replaced by T.
Protein change: p.Gly131=; no amino-acid change (glycine 131 retained).
Molecular consequence: synonymous variant.
Genome position (GRCh38, 1-based): chr1:115,286,403, G>A on the plus strand (C>T on the coding strand, the complement: NGF is on the minus strand). VCF-style: chr1-115286403-G-A. GRCh37 (hg19) VCF-style: chr1-115829024-G-A.
Identifiers: ClinVar variation 385500 (VCV000385500.9), dbSNP rs778162180, ClinGen allele CA1022983.

ClinVar aggregate classification (germline): Likely benign. Review status: criteria provided, multiple submitters, no conflicts (2 of 4 stars). 3 submissions from 3 submitters: Likely benign (3). Last evaluated 2023-05-16.

Conditions:
Congenital sensory neuropathy with selective loss of small myelinated fibers (HSAN5). Also called: HSAN Type V. Identifiers: Orphanet 64752, MedGen C0020075, MONDO:0012092, OMIM 608654.

Allele frequency attached by ClinVar (database versions not stated): ExAC 0.00001; gnomAD 0.00001 and 0.00006; gnomAD exomes 0.00001 and 0.00002; TOPMed 0.00010.
gnomAD v4.1: 17 of 1,613,622 alleles (0.0011%); highest among the groups gnomAD compares: Admixed American, 0.005%; no homozygotes.

Submissions (3):

Labcorp Genetics (formerly Invitae), Labcorp
Classification: Likely benign for Congenital sensory neuropathy with selective loss of small myelinated fibers. Last evaluated: 2023-05-16. Review status: criteria provided, single submitter. Criteria: Invitae Variant Classification Sherloc (09022015). Collection method: clinical testing. Allele origin: germline.

Genome-Nilou Lab
Classification: Likely benign for Congenital sensory neuropathy with selective loss of small myelinated fibers. Last evaluated: 2023-04-11. Review status: criteria provided, single submitter. Criteria: ACMG Guidelines, 2015. Collection method: clinical testing. Allele origin: germline. Affected: no.

GeneDx
Classification: Likely benign. Last evaluated: 2016-04-22. Review status: criteria provided, single submitter. Criteria: GeneDx Variant Classification (06012015). Collection method: clinical testing. Allele origin: germline. Affected: yes.
Comment: This variant is considered likely benign or benign based on one or more of the following criteria: it is a conservative change, it occurs at a poorly conserved position in the protein, it is predicted to be benign by multiple in silico algorithms, and/or has population frequency not consistent with disease.